The following is an entry in ClinVar:

NM_003676.4(DEGS1):c.775C>T (p.His259Tyr)

Gene: DEGS1 (delta 4-desaturase, sphingolipid 1; plus strand). Cytogenetic location: 1q42.11.
Variant type: single nucleotide variant.
Coding change: c.775C>T on transcript NM_003676.4 (MANE Select); coding-DNA position 775, C replaced by T.
Protein change: p.His259Tyr; replaces histidine 259 with tyrosine.
Molecular consequence: missense variant.
Genome position (GRCh38, 1-based): chr1:224,190,269, C>T. VCF-style: chr1-224190269-C-T. GRCh37 (hg19) VCF-style: chr1-224377971-C-T.
Other names: c.775C>T (NM_003676.3); c.775C>T, p.His259Tyr (NM_001321541.2); c.667C>T, p.His223Tyr (NM_001321542.2); short protein forms H223Y, H259Y.
Identifiers: ClinVar variation 3062080 (VCV003062080.3), dbSNP rs770197183, ClinGen allele CA344710365.
Genomic context (GRCh38, chr1:224,190,269, plus strand): 5'-GGTCATGAAACTTACTCATATTATGGGCCTCTGAATTTACTTACCTTCAATGTGGGTTAT[C>T]ATAATGAACATCATGATTTCCCCAACATTCCTGGAAAAAGTCTTCCACTGGTAAGTAAAG-3'
Protein context (NP_003667.1, residues 249-269): LNLLTFNVGY[His259Tyr]NEHHDFPNIP

ClinVar aggregate classification (germline): Likely pathogenic. Review status: criteria provided, multiple submitters, no conflicts (2 of 4 stars). 2 submissions from 2 submitters: Likely pathogenic (2). Last evaluated 2025-10-13.

Conditions:
Leukodystrophy, hypomyelinating, 18. Identifiers: MedGen C5193078, MONDO:0032730, OMIM 618404.

Submissions (2):

GeneDx
Classification: Likely pathogenic. Last evaluated: 2025-10-13. Review status: criteria provided, single submitter. Criteria: GeneDx Variant Classification Process June 2021. Collection method: clinical testing. Allele origin: germline. Affected: yes.
Comment: Not observed at significant frequency in large population cohorts (gnomAD); In silico analysis supports that this missense variant has a deleterious effect on protein structure/function; This variant is associated with the following publications: (PMID: LoganR[2022])

Illumina Laboratory Services, Illumina
Classification: Likely pathogenic for Leukodystrophy, hypomyelinating, 18. Last evaluated: 2019-11-07. Review status: criteria provided, single submitter. Criteria: ICSLVariantClassificationCriteria RUGD 01 April 2020. Collection method: clinical testing. Allele origin: unknown.
Comment: The DEGS1 c.775C>T (p.His259Tyr) variant is a missense variant. A literature search was performed for the gene, cDNA change, and amino acid change. No publications were found based on this search. This variant is not found in the Genome Aggregation Database in a region of good sequence coverage, so the variant is presumed to be rare. The p.His259Tyr variant is located in the histidine domain which is suggested to be important for catalytic activity (Pant et al. 2019). In addition, in silico predictions indicate that this variant may be deleterious. Based on the available evidence, the c.775C>T (p.His259Tyr) variant is classified as likely pathogenic for DEGS1-related hypomyelinating leukodystrophy.